The following is an entry in ClinVar:

ClinVar aggregate classification (germline): Uncertain significance. Review status: criteria provided, multiple submitters, no conflicts (2 of 4 stars). 2 submissions from 2 submitters: Uncertain significance (2). Last evaluated 2022-03-16.

Allele frequency attached by ClinVar (database versions not stated): gnomAD 0.00003 and 0.00004; TOPMed 0.00003; ExAC 0.00006; gnomAD exomes 0.00006; ESP Exome Variant Server 0.00008.

Submissions (2):

Ambry Genetics
Classification: Uncertain significance. Last evaluated: 2022-03-16. Review status: criteria provided, single submitter. Criteria: Ambry Variant Classification Scheme 2023. Collection method: clinical testing. Allele origin: germline.

Labcorp Genetics (formerly Invitae), Labcorp
Classification: Uncertain significance. Last evaluated: 2021-10-22. Review status: criteria provided, single submitter. Criteria: Invitae Variant Classification Sherloc (09022015). Collection method: clinical testing. Allele origin: germline.
Comment: This variant is present in population databases (rs374024953, gnomAD 0.01%). In summary, the available evidence is currently insufficient to determine the role of this variant in disease. Therefore, it has been classified as a Variant of Uncertain Significance. Algorithms developed to predict the effect of missense changes on protein structure and function are either unavailable or do not agree on the potential impact of this missense change (SIFT: "Deleterious"; PolyPhen-2: "Probably Damaging"; Align-GVGD: "Class C15"). This variant has not been reported in the literature in individuals affected with KIF22-related conditions. This sequence change replaces arginine, which is basic and polar, with tryptophan, which is neutral and slightly polar, at codon 238 of the KIF22 protein (p.Arg238Trp).

NM_007317.3(KIF22):c.712C>T (p.Arg238Trp)

Gene: KIF22 (kinesin family member 22; plus strand). Cytogenetic location: 16p11.2.
Variant type: single nucleotide variant.
Coding change: c.712C>T on transcript NM_007317.3 (MANE Select); coding-DNA position 712, C replaced by T.
Protein change: p.Arg238Trp; replaces arginine 238 with tryptophan.
Molecular consequence: missense variant.
Genome position (GRCh38, 1-based): chr16:29,799,137, C>T. VCF-style: chr16-29799137-C-T. GRCh37 (hg19) VCF-style: chr16-29810458-C-T.
Other names: c.712C>T (NM_007317.1); c.508C>T, p.Arg170Trp (NM_001256269.2, NM_001256270.1); short protein forms R238W, R170W.
Identifiers: ClinVar variation 1360630 (VCV001360630.7), dbSNP rs374024953, ClinGen allele CA7993063.